The following is an entry in ClinVar:

ClinVar aggregate classification (germline): Pathogenic (1 of 4 stars; one submission).

Submission:

GeneDx
Classification: Pathogenic. Last evaluated: 2025-06-10. Review status: criteria provided, single submitter. Criteria: GeneDx Variant Classification Process June 2021. Collection method: clinical testing. Allele origin: germline. Affected: yes.
Comment: Canonical splice site variant predicted to result in a null allele in a gene for which loss of function is a known mechanism of disease; Not observed at significant frequency in large population cohorts (gnomAD); This variant is associated with the following publications: (PMID: 40024627)

NM_000834.5(GRIN2B):c.2010+1G>A

Gene: GRIN2B (glutamate ionotropic receptor NMDA type subunit 2B; minus strand). Cytogenetic location: 12p13.1.
Variant type: single nucleotide variant.
Coding change: c.2010+1G>A on transcript NM_000834.5 (MANE Select); the canonical splice donor site of the intron after coding-DNA position 2010, G replaced by A.
Molecular consequence: splice donor variant.
Genome position (GRCh38, 1-based): chr12:13,608,602, C>T on the plus strand (G>A on the coding strand, the complement: GRIN2B is on the minus strand). VCF-style: chr12-13608602-C-T. GRCh37 (hg19) VCF-style: chr12-13761536-C-T.
Other names: c.2010+1G>A (NM_001413992.1).
Identifiers: ClinVar variation 4538147 (VCV004538147.1).